The following is an entry in ClinVar:

ClinVar aggregate classification (germline): Uncertain significance (1 of 4 stars; one submission).

Conditions:
Hereditary cancer-predisposing syndrome. Also called: Neoplastic Syndromes, Hereditary; Tumor predisposition; Hereditary Cancer Syndrome; Hereditary neoplastic syndrome. Identifiers: Orphanet 140162, MedGen C0027672, MeSH D009386, MONDO:0015356.

Submission:

Color Diagnostics, LLC DBA Color Health
Classification: Uncertain significance for Hereditary cancer-predisposing syndrome. Last evaluated: 2023-12-05. Review status: criteria provided, single submitter. Criteria: ACMG Guidelines, 2015. Collection method: clinical testing. Allele origin: germline.
Comment: This missense variant replaces leucine with phenylalanine at codon 427 of the ATM protein. Computational prediction suggests that this variant may not impact protein structure and function (internally defined REVEL score threshold <= 0.5, PMID: 27666373). To our knowledge, functional studies have not been reported for this variant. This variant has not been reported in individuals affected with ATM-related disorders in the literature. This variant has not been identified in the general population by the Genome Aggregation Database (gnomAD). The available evidence is insufficient to determine the role of this variant in disease conclusively. Therefore, this variant is classified as a Variant of Uncertain Significance.

NM_000051.4(ATM):c.1281A>T (p.Leu427Phe)

Gene: ATM (ATM serine/threonine kinase; plus strand). Cytogenetic location: 11q22.3.
Variant type: single nucleotide variant.
Coding change: c.1281A>T on transcript NM_000051.4 (MANE Select); coding-DNA position 1281, A replaced by T.
Protein change: p.Leu427Phe; replaces leucine 427 with phenylalanine.
Molecular consequence: missense variant.
Genome position (GRCh38, 1-based): chr11:108,250,746, A>T. VCF-style: chr11-108250746-A-T. GRCh37 (hg19) VCF-style: chr11-108121473-A-T.
Other names: c.1281A>T, p.Leu427Phe (NM_001351834.2); short protein forms L427F.
Identifiers: ClinVar variation 923706 (VCV000923706.4), dbSNP rs2080092432, ClinGen allele CA382533492.